The following is an entry in ClinVar:

NM_001200.4(BMP2):c.987C>A (p.Cys329Ter)

Gene: BMP2 (bone morphogenetic protein 2; plus strand). Cytogenetic location: 20p12.3.
Variant type: single nucleotide variant.
Coding change: c.987C>A on transcript NM_001200.4 (MANE Select); coding-DNA position 987, C replaced by A.
Protein change: p.Cys329Ter; replaces cysteine 329 with a stop codon.
Molecular consequence: nonsense.
Genome position (GRCh38, 1-based): chr20:6,778,885, C>A. VCF-style: chr20-6778885-C-A. GRCh37 (hg19) VCF-style: chr20-6759532-C-A.
Other names: c.987C>A (NM_001200.2); short protein forms C329*.
Identifiers: ClinVar variation 492937 (VCV000492937.7), dbSNP rs1555786156, ClinGen allele CA408259569.

ClinVar aggregate classification (germline): Likely pathogenic. Review status: criteria provided, multiple submitters, no conflicts (2 of 4 stars). 3 submissions from 3 submitters: Likely pathogenic (2). 1 of the submissions does not count toward it. Last evaluated 2026-02-11.

Conditions:
Short stature, facial dysmorphism, and skeletal anomalies with or without cardiac anomalies 1. Identifiers: MedGen C5542952, MONDO:0100297, OMIM 617877.
Short stature, facial dysmorphism, and skeletal anomalies with or without cardiac anomalies. Identifiers: MedGen CN294045, MONDO:0031439, MONDO:0060649.

Submissions (3):

GeneDx
Classification: Likely pathogenic. Last evaluated: 2026-02-11. Review status: criteria provided, single submitter. Criteria: GeneDx Variant Classification Process June 2021. Collection method: clinical testing. Allele origin: germline.
Comment: Nonsense variant predicted to result in protein truncation as the last 68 amino acid(s) are lost; Not observed at significant frequency in large population cohorts (gnomAD); This variant is associated with the following publications: (PMID: 29198724)

SIB Swiss Institute of Bioinformatics
Classification: Likely pathogenic for Short stature, facial dysmorphism, and skeletal anomalies with or without cardiac anomalies 1. Last evaluated: 2018-10-15. Review status: criteria provided, single submitter. Criteria: ACMG Guidelines, 2015. Collection method: curation. Allele origin: germline.
Comment: This variant is interpreted as Likely Pathogenic, for Short stature, facial dysmorphism, and skeletal anomalies with or without cardiac anomalies, autosomal dominant. The following ACMG Tag(s) were applied: PM2 => Absent from controls (or at extremely low frequency if recessive) in Exome Sequencing Project, 1000 Genomes Project, or Exome Aggregation Consortium. PVS1-Moderate => PVS1 downgraded in strength to Moderate (PubMed 29198724). PM6 => Assumed de novo, but without confirmation of paternity and maternity (PubMed 29198724).

OMIM
Classification: Pathogenic for SHORT STATURE, FACIAL DYSMORPHISM, AND SKELETAL ANOMALIES WITH CARDIAC ANOMALIES 1. Last evaluated: 2021-02-15. Review status: no assertion criteria provided. Collection method: literature only. Allele origin: germline. Not counted in ClinVar's aggregate classification.

Literature cited by the submitters: PubMed 29198724 (cited by SIB Swiss Institute of Bioinformatics and OMIM).